The following is an entry in ClinVar:

NM_001288705.3(CSF1R):c.487A>G (p.Thr163Ala)

Gene: CSF1R (colony stimulating factor 1 receptor; minus strand). Cytogenetic location: 5q32.
Variant type: single nucleotide variant.
Coding change: c.487A>G on transcript NM_001288705.3 (MANE Select); coding-DNA position 487, A replaced by G.
Protein change: p.Thr163Ala; replaces threonine 163 with alanine.
Molecular consequence: missense variant. On other transcripts: non-coding transcript variant (2).
Genome position (GRCh38, 1-based): chr5:150,080,157, T>C on the plus strand (A>G on the coding strand, the complement: CSF1R is on the minus strand). VCF-style: chr5-150080157-T-C. GRCh37 (hg19) VCF-style: chr5-149459720-T-C.
Other names: c.487A>G, p.Thr163Ala (NM_001349736.2, NM_001375320.1, NM_005211.4); c.43A>G, p.Thr15Ala (NM_001375321.1); short protein forms T15A, T163A.
Identifiers: ClinVar variation 2571754 (VCV002571754.5), dbSNP rs776871942, ClinGen allele CA3507169.

ClinVar aggregate classification (germline): Conflicting classifications of pathogenicity. Review status: criteria provided, conflicting classifications (1 of 4 stars). 3 submissions from 3 submitters: Uncertain significance (1); Likely benign (2). Last evaluated 2024-03-03.

Conditions:
Inborn genetic diseases. Identifiers: MedGen C0950123, MeSH D030342.

Allele frequency attached by ClinVar (database versions not stated): ExAC 0.00001; TOPMed 0.00002; gnomAD 0.00003; gnomAD exomes 0.00006.
gnomAD v4.1: 85 of 1,613,860 alleles (0.0053%); highest among the groups gnomAD compares: Non-Finnish European, 0.007%; no homozygotes.

Submissions (3):

Labcorp Genetics (formerly Invitae), Labcorp
Classification: Likely benign. Last evaluated: 2024-03-03. Review status: criteria provided, single submitter. Criteria: Invitae Variant Classification Sherloc (09022015). Collection method: clinical testing. Allele origin: germline.

Ambry Genetics
Classification: Likely benign for Inborn genetic diseases. Last evaluated: 2024-01-25. Review status: criteria provided, single submitter. Criteria: Ambry Variant Classification Scheme 2023. Collection method: clinical testing. Allele origin: germline.

GeneDx
Classification: Uncertain significance. Last evaluated: 2023-01-05. Review status: criteria provided, single submitter. Criteria: GeneDx Variant Classification Process June 2021. Collection method: clinical testing. Allele origin: germline. Affected: yes.
Comment: In silico analysis supports that this missense variant has a deleterious effect on protein structure/function; Has not been previously published as pathogenic or benign to our knowledge